The following is an entry in ClinVar:

NM_000289.6(PFKM):c.1226G>T (p.Gly409Val)

Gene: PFKM (phosphofructokinase, muscle; plus strand). Cytogenetic location: 12q13.11.
Variant type: single nucleotide variant.
Coding change: c.1226G>T on transcript NM_000289.6 (MANE Select); coding-DNA position 1226, G replaced by T.
Protein change: p.Gly409Val; replaces glycine 409 with valine.
Molecular consequence: missense variant. On other transcripts: non-coding transcript variant (6).
Genome position (GRCh38, 1-based): chr12:48,140,756, G>T. VCF-style: chr12-48140756-G-T. GRCh37 (hg19) VCF-style: chr12-48534539-G-T.
Other names: c.1439G>T, p.Gly480Val (NM_001166686.2, NM_001354737.1, NM_001354738.1 and 1 more transcripts); c.1226G>T, p.Gly409Val (NM_001166687.2, NM_001166688.2, NM_001354742.2 and 2 more transcripts); c.1535G>T, p.Gly512Val (NM_001354735.1, NM_001354736.1); c.1370G>T, p.Gly457Val (NM_001354740.1); c.1250G>T, p.Gly417Val (NM_001354741.2); c.1139G>T, p.Gly380Val (NM_001354745.2); c.1100G>T, p.Gly367Val (NM_001354746.2); c.1076G>T, p.Gly359Val (NM_001354747.2, NM_001354748.2); and 1 more; short protein forms G359V, G367V, G378V, G380V, G409V, G417V, G457V, G480V.
Identifiers: ClinVar variation 1714344 (VCV001714344.5), dbSNP rs2498536654, ClinGen allele CA384550419.

ClinVar aggregate classification (germline): Uncertain significance (1 of 4 stars; one submission).

Conditions:
Glycogen storage disease, type VII (GSD7). Also called: GSD VII; MUSCLE PHOSPHOFRUCTOKINASE DEFICIENCY; PFKM DEFICIENCY; TARUI DISEASE. Identifiers: Orphanet 371, MedGen C0017926, MONDO:0009295, OMIM 232800.

Submission:

Labcorp Genetics (formerly Invitae), Labcorp
Classification: Uncertain significance for Glycogen storage disease, type VII. Last evaluated: 2022-08-01. Review status: criteria provided, single submitter. Criteria: Invitae Variant Classification Sherloc (09022015). Collection method: clinical testing. Allele origin: germline.
Comment: This sequence change replaces glycine, which is neutral and non-polar, with valine, which is neutral and non-polar, at codon 409 of the PFKM protein (p.Gly409Val). This variant is not present in population databases (gnomAD no frequency). This variant has not been reported in the literature in individuals affected with PFKM-related conditions. Algorithms developed to predict the effect of missense changes on protein structure and function are either unavailable or do not agree on the potential impact of this missense change (SIFT: "Deleterious"; PolyPhen-2: "Probably Damaging"; Align-GVGD: "Class C0"). In summary, the available evidence is currently insufficient to determine the role of this variant in disease. Therefore, it has been classified as a Variant of Uncertain Significance.